The following is an entry in ClinVar:

ClinVar aggregate classification (germline): Benign/Likely benign. Review status: criteria provided, multiple submitters, no conflicts (2 of 4 stars). 4 submissions from 4 submitters: Benign (1); Likely benign (2). 1 of the submissions does not count toward it. Last evaluated 2025-08-29.

Conditions:
Long QT syndrome (LQTS). Identifiers: MedGen C0023976, MeSH D008133, MONDO:0002442. Disease mechanism: loss of function. Inheritance: Various modes of inheritance.
AKAP9-related disorder. Also called: AKAP9-related condition.
Cardiovascular phenotype. Identifiers: MedGen CN230736.

Allele frequency attached by ClinVar (database versions not stated): ExAC 0.00014; gnomAD 0.00021; gnomAD exomes 0.00022; TOPMed 0.00032.
gnomAD v4.1: 177 of 1,614,076 alleles (0.011%); highest among the groups gnomAD compares: Admixed American, 0.13%; no homozygotes.

Submissions (4):

Labcorp Genetics (formerly Invitae), Labcorp
Classification: Likely benign for Long QT syndrome. Last evaluated: 2025-08-29. Review status: criteria provided, single submitter. Criteria: Invitae Variant Classification Sherloc (09022015). Collection method: clinical testing. Allele origin: germline.

Women's Health and Genetics/Laboratory Corporation of America, LabCorp
Classification: Benign. Last evaluated: 2021-12-19. Review status: criteria provided, single submitter. Criteria: LabCorp Variant Classification Summary - May 2015. Collection method: clinical testing. Allele origin: germline.

Ambry Genetics
Classification: Likely benign for Cardiovascular phenotype. Last evaluated: 2019-10-01. Review status: criteria provided, single submitter. Criteria: Ambry Variant Classification Scheme 2023. Collection method: clinical testing. Allele origin: germline.

PreventionGenetics, part of Exact Sciences
Classification: Likely benign for AKAP9-related condition. Last evaluated: 2024-02-01. Review status: no assertion criteria provided. Collection method: clinical testing. Allele origin: germline. Not counted in ClinVar's aggregate classification.
Comment: This variant is classified as likely benign based on ACMG/AMP sequence variant interpretation guidelines (Richards et al. 2015 PMID: 25741868, with internal and published modifications).

NM_005751.5(AKAP9):c.11580T>G (p.Gly3860=)

Gene: AKAP9 (A-kinase anchoring protein 9; plus strand). Cytogenetic location: 7q21.2.
Variant type: single nucleotide variant.
Coding change: c.11580T>G on transcript NM_005751.5 (MANE Select); coding-DNA position 11580, T replaced by G.
Protein change: p.Gly3860=; no amino-acid change (glycine 3860 retained).
Molecular consequence: synonymous variant.
Genome position (GRCh38, 1-based): chr7:92,108,527, T>G. VCF-style: chr7-92108527-T-G. GRCh37 (hg19) VCF-style: chr7-91737841-T-G.
Other names: c.6225T>G, p.Gly2075= (NM_001379277.1); c.11556T>G, p.Gly3852= (NM_147185.3).
Identifiers: ClinVar variation 263701 (VCV000263701.22), dbSNP rs756398963, ClinGen allele CA4338234.